The following is an entry in ClinVar:

NM_005589.4(ALDH6A1):c.1304T>C (p.Ile435Thr)

Genes: ALDH6A1 (aldehyde dehydrogenase 6 family member A1; minus strand), BBOF1 (basal body orientation factor 1; plus strand). Cytogenetic location: 14q24.3.
Variant type: single nucleotide variant.
Coding change: c.1304T>C on transcript NM_005589.4 (MANE Select); coding-DNA position 1304, T replaced by C.
Protein change: p.Ile435Thr; replaces isoleucine 435 with threonine.
Molecular consequence: missense variant. On other transcripts: 3 prime UTR variant (1).
Genome position (GRCh38, 1-based): chr14:74,065,281, A>G on the plus strand (T>C on the coding strand, the complement: ALDH6A1 is on the minus strand). VCF-style: chr14-74065281-A-G. GRCh37 (hg19) VCF-style: chr14-74531984-A-G.
Other names: c.1265T>C, p.Ile422Thr (NM_001278593.2); c.842T>C, p.Ile281Thr (NM_001278594.2); c.*582A>G (NM_025057.3); short protein forms I281T, I435T, I422T.
Identifiers: ClinVar variation 1505058 (VCV001505058.6), dbSNP rs1172766971, ClinGen allele CA390367675.
Genomic context (GRCh38, chr14:74,065,281, plus strand): 5'-GCTCCATTGGTGGTGAAGATGGCAGTTCCATTTCCATATGGGTTGTTATTTACAATCTGG[A>G]TGGCTTCATCCAATGTTTCTGTCTCCAGAACCACAAGAACTGGACCAAAAATCTCCTCTT-3'
Protein context (NP_005580.1, residues 425-445): VLETETLDEA[Ile435Thr]QIVNNNPYGN

ClinVar aggregate classification (germline): Uncertain significance (1 of 4 stars; one submission).

Submission:

Labcorp Genetics (formerly Invitae), Labcorp
Classification: Uncertain significance. Last evaluated: 2021-11-04. Review status: criteria provided, single submitter. Criteria: Invitae Variant Classification Sherloc (09022015). Collection method: clinical testing. Allele origin: germline.
Comment: This sequence change replaces isoleucine, which is neutral and non-polar, with threonine, which is neutral and polar, at codon 435 of the ALDH6A1 protein (p.Ile435Thr). This variant is not present in population databases (gnomAD no frequency). This variant has not been reported in the literature in individuals affected with ALDH6A1-related conditions. Advanced modeling of protein sequence and biophysical properties (such as structural, functional, and spatial information, amino acid conservation, physicochemical variation, residue mobility, and thermodynamic stability) performed at Invitae indicates that this missense variant is not expected to disrupt ALDH6A1 protein function. In summary, the available evidence is currently insufficient to determine the role of this variant in disease. Therefore, it has been classified as a Variant of Uncertain Significance.